The following is an entry in ClinVar:

NM_001017420.3(ESCO2):c.269dup (p.Asn90fs)

Gene: ESCO2 (establishment of sister chromatid cohesion N-acetyltransferase 2; plus strand). Cytogenetic location: 8p21.1.
Variant type: Duplication.
Coding change: c.269dup on transcript NM_001017420.3 (MANE Select); coding-DNA position 269, one base duplicated (A; older notation c.269dupA).
Protein change: p.Asn90fs; shifts the reading frame from asparagine 90.
Molecular consequence: frameshift variant.
Genome position (GRCh38, 1-based): chr8:27,776,577, A duplicated; the last of 4 consecutive A bases (chr8:27,776,574-27,776,577); duplicating any one gives the same sequence. VCF-style (leftmost placement, unchanged base first): chr8-27776573-C-CA. GRCh37 (hg19) VCF-style: chr8-27634090-C-CA.
Other names: short protein forms N90fs.
Identifiers: ClinVar variation 1455776 (VCV001455776.6), dbSNP rs2128951088, ClinGen allele CA2573142787.

ClinVar aggregate classification (germline): Pathogenic (1 of 4 stars; one submission).

Submission:

Labcorp Genetics (formerly Invitae), Labcorp
Classification: Pathogenic. Last evaluated: 2021-02-20. Review status: criteria provided, single submitter. Criteria: Invitae Variant Classification Sherloc (09022015). Collection method: clinical testing. Allele origin: germline.
Comment: This sequence change creates a premature translational stop signal (p.Asn90Lysfs*2) in the ESCO2 gene. It is expected to result in an absent or disrupted protein product. Loss-of-function variants in ESCO2 are known to be pathogenic (PMID: 15821733, 16380922). This variant is not present in population databases (ExAC no frequency). This variant has not been reported in the literature in individuals with ESCO2-related conditions. For these reasons, this variant has been classified as Pathogenic.

Literature cited by the submitters: PubMed 15821733; PubMed 16380922.